The following is an entry in ClinVar:

ClinVar aggregate classification (germline): Uncertain significance (1 of 4 stars; one submission).

Allele frequency attached by ClinVar (database versions not stated): TOPMed 0.00001; gnomAD 0.00002.
gnomAD v4.1: 3 of 1,613,988 alleles (0.00019%); highest among the groups gnomAD compares: African/African-American, 0.004%; no homozygotes.

Submission:

GeneDx
Classification: Uncertain significance. Last evaluated: 2022-03-25. Review status: criteria provided, single submitter. Criteria: GeneDx Variant Classification Process June 2021. Collection method: clinical testing. Allele origin: germline. Affected: yes.
Comment: In silico analysis supports that this missense variant does not alter protein structure/function; Has not been previously published as pathogenic or benign to our knowledge

NM_001170629.2(CHD8):c.1162C>A (p.Gln388Lys)

Gene: CHD8 (chromodomain helicase DNA binding protein 8; minus strand). Cytogenetic location: 14q11.2.
Variant type: single nucleotide variant.
Coding change: c.1162C>A on transcript NM_001170629.2 (MANE Select); coding-DNA position 1162, C replaced by A.
Protein change: p.Gln388Lys; replaces glutamine 388 with lysine.
Molecular consequence: missense variant.
Genome position (GRCh38, 1-based): chr14:21,429,017, G>T on the plus strand (C>A on the coding strand, the complement: CHD8 is on the minus strand). VCF-style: chr14-21429017-G-T. GRCh37 (hg19) VCF-style: chr14-21897176-G-T.
Other names: c.325C>A, p.Gln109Lys (NM_020920.4); short protein forms Q109K, Q388K.
Identifiers: ClinVar variation 1707222 (VCV001707222.2), dbSNP rs989306143, ClinGen allele CA388884535.